The following is an entry in ClinVar:

NM_024675.4(PALB2):c.2834+20T>G

Gene: PALB2 (partner and localizer of BRCA2; minus strand). Cytogenetic location: 16p12.2.
Variant type: single nucleotide variant.
Coding change: c.2834+20T>G on transcript NM_024675.4 (MANE Select); 20 bases into the intron after coding-DNA position 2834, T replaced by G.
Molecular consequence: intron variant.
Genome position (GRCh38, 1-based): chr16:23,623,989, A>C on the plus strand (T>G on the coding strand, the complement: PALB2 is on the minus strand). VCF-style: chr16-23623989-A-C. GRCh37 (hg19) VCF-style: chr16-23635310-A-C.
Identifiers: ClinVar variation 126686 (VCV000126686.10), dbSNP rs515726097, ClinGen allele CA269576.

ClinVar aggregate classification (germline): Likely benign. Review status: criteria provided, single submitter (1 of 4 stars). 2 submissions from 2 submitters: Likely benign (1). 1 of the submissions does not count toward it. Last evaluated 2021-06-17.

Conditions:
Familial cancer of breast. Also called: BREAST CANCER, FAMILIAL; hereditary breast carcinoma; Hereditary breast cancer. Identifiers: Orphanet 227535, MedGen C0346153, MONDO:0016419, OMIM 114480. Disease mechanism: loss of function.

Submissions (2):

Labcorp Genetics (formerly Invitae), Labcorp
Classification: Likely benign for Familial cancer of breast. Last evaluated: 2021-06-17. Review status: criteria provided, single submitter. Criteria: Invitae Variant Classification Sherloc (09022015). Collection method: clinical testing. Allele origin: germline.

Leiden Open Variation Database
Classification: Likely benign for Familial cancer of breast. Last evaluated: 2019-05-13. Review status: no assertion criteria provided. Collection method: curation. Allele origin: germline. Affected: yes. Not counted in ClinVar's aggregate classification.
Comment: Curators: Marc Tischkowitz, Arleen D. Auerbach. Submitter to LOVD: Marc Tischkowitz.

Literature cited by the submitters: PubMed 22241545 (cited by Leiden Open Variation Database).